The following is an entry in ClinVar:

ClinVar aggregate classification (germline): Conflicting classifications of pathogenicity. Review status: criteria provided, conflicting classifications (1 of 4 stars). 3 submissions from 3 submitters: Uncertain significance (2); Likely benign (1). Last evaluated 2025-07-14.

Conditions:
Lymphangiomyomatosis (LAM). Also called: Lymphangioleiomyomatosis, somatic; Lymphangioleiomyomatosis. Identifiers: Orphanet 538, MedGen C0751674, MONDO:0011705, OMIM 606690.
Isolated focal cortical dysplasia type II (FCORD2). Also called: Focal cortical dysplasia type II; CORTICAL DYSPLASIA OF TAYLOR. Identifiers: Orphanet 268994, MedGen C1846385, MONDO:0011818, OMIM 607341, HP:0032051.
Tuberous sclerosis 2 (TSC2). Identifiers: Orphanet 805, MedGen C1860707, MONDO:0013199, OMIM 613254.
Hereditary cancer-predisposing syndrome. Also called: Hereditary neoplastic syndrome; Tumor predisposition; Neoplastic Syndromes, Hereditary; Hereditary Cancer Syndrome. Identifiers: Orphanet 140162, MedGen C0027672, MeSH D009386, MONDO:0015356.

Allele frequency attached by ClinVar (database versions not stated): gnomAD exomes below 0.00001.
gnomAD v4.1: 2 of 1,612,790 alleles (0.00012%); highest among the groups gnomAD compares: East Asian, 0.0045%; no homozygotes.

Submissions (3):

Labcorp Genetics (formerly Invitae), Labcorp
Classification: Likely benign for Tuberous sclerosis 2. Last evaluated: 2025-07-14. Review status: criteria provided, single submitter. Criteria: Invitae Variant Classification Sherloc (09022015). Collection method: clinical testing. Allele origin: germline.

Fulgent Genetics
Classification: Uncertain significance for Lymphangiomyomatosis; Isolated focal cortical dysplasia type II; Tuberous sclerosis 2. Last evaluated: 2024-03-29. Review status: criteria provided, single submitter. Criteria: ACMG Guidelines, 2015. Collection method: clinical testing. Allele origin: germline.

Ambry Genetics
Classification: Uncertain significance for Hereditary cancer-predisposing syndrome. Last evaluated: 2023-12-26. Review status: criteria provided, single submitter. Criteria: Ambry Variant Classification Scheme 2023. Collection method: clinical testing. Allele origin: germline.
Comment: The c.3131+4C>G intronic variant results from a C to G substitution 4 nucleotides after coding exon 26 in the TSC2 gene. This nucleotide position is poorly conserved in available vertebrate species. In silico splice site analysis predicts that this alteration will not have any significant effect on splicing. Since supporting evidence is limited at this time, the clinical significance of this alteration remains unclear.

NM_000548.5(TSC2):c.3131+4C>G

Gene: TSC2 (TSC complex subunit 2; plus strand). Cytogenetic location: 16p13.3.
Variant type: single nucleotide variant.
Coding change: c.3131+4C>G on transcript NM_000548.5 (MANE Select); 4 bases into the intron after coding-DNA position 3131, C replaced by G.
Molecular consequence: intron variant.
Genome position (GRCh38, 1-based): chr16:2,079,200, C>G. VCF-style: chr16-2079200-C-G. GRCh37 (hg19) VCF-style: chr16-2129201-C-G.
Other names: c.3131+4C>G (NM_001114382.3); c.3002+4C>G (NM_021055.3, NM_001370405.1, NM_001363528.2); c.2999+4C>G (NM_001370404.1, NM_001077183.3); c.2891+4C>G (NM_001318827.2); c.2399+4C>G (NM_001318831.2); c.2855+4C>G (NM_001318829.2); c.3032+4C>G (NM_001318832.2).
Identifiers: ClinVar variation 955317 (VCV000955317.9), dbSNP rs559015964, ClinGen allele CA620704908.
Genomic context (GRCh38, chr16:2,079,200, plus strand): 5'-CTGTCTGGACATGATGGCTCGATACGTCTTCTCCAACTTCACGGCTGTCCCGAAGAGGTC[C>G]AGGCGGCACTACAGGGCTGGGCGGGCCTGCGGGAGCTCCACGGGCAAGCTGGGTTTCACG-3'